The following is an entry in ClinVar:

NM_002470.4(MYH3):c.3253G>T (p.Asp1085Tyr)

Gene: MYH3 (myosin heavy chain 3; minus strand). Cytogenetic location: 17p13.1.
Variant type: single nucleotide variant.
Coding change: c.3253G>T on transcript NM_002470.4 (MANE Select); coding-DNA position 3253, G replaced by T.
Protein change: p.Asp1085Tyr; replaces aspartic acid 1085 with tyrosine.
Molecular consequence: missense variant.
Genome position (GRCh38, 1-based): chr17:10,638,959, C>A on the plus strand (G>T on the coding strand, the complement: MYH3 is on the minus strand). VCF-style: chr17-10638959-C-A. GRCh37 (hg19) VCF-style: chr17-10542276-C-A.
Other names: short protein forms D1085Y.
Identifiers: ClinVar variation 3678690 (VCV003678690.2).

ClinVar aggregate classification (germline): Uncertain significance (1 of 4 stars; one submission).

gnomAD v4.1: 5 of 1,614,172 alleles (0.00031%); highest among the groups gnomAD compares: Non-Finnish European, 0.000085%; no homozygotes.

Submission:

Labcorp Genetics (formerly Invitae), Labcorp
Classification: Uncertain significance. Last evaluated: 2025-06-26. Review status: criteria provided, single submitter. Criteria: Invitae Variant Classification Sherloc (09022015). Collection method: clinical testing. Allele origin: germline.
Comment: This sequence change replaces aspartic acid, which is acidic and polar, with tyrosine, which is neutral and polar, at codon 1085 of the MYH3 protein (p.Asp1085Tyr). This variant is present in population databases (rs753191024, gnomAD 0.04%). This variant has not been reported in the literature in individuals affected with MYH3-related conditions. ClinVar contains an entry for this variant (Variation ID: 3678690). Invitae Evidence Modeling of protein sequence and biophysical properties (such as structural, functional, and spatial information, amino acid conservation, physicochemical variation, residue mobility, and thermodynamic stability) indicates that this missense variant is not expected to disrupt MYH3 protein function with a negative predictive value of 95%. In summary, the available evidence is currently insufficient to determine the role of this variant in disease. Therefore, it has been classified as a Variant of Uncertain Significance.